The following is an entry in ClinVar:

NM_001174147.2(LMX1B):c.668G>C (p.Arg223Pro)

Gene: LMX1B (LIM homeobox transcription factor 1 beta; plus strand). Cytogenetic location: 9q33.3.
Variant type: single nucleotide variant.
Coding change: c.668G>C on transcript NM_001174147.2 (MANE Select); coding-DNA position 668, G replaced by C.
Protein change: p.Arg223Pro; replaces arginine 223 with proline.
Molecular consequence: missense variant.
Genome position (GRCh38, 1-based): chr9:126,693,250, G>C. VCF-style: chr9-126693250-G-C. GRCh37 (hg19) VCF-style: chr9-129455529-G-C.
Other names: c.668G>C, p.Arg223Pro (NM_001174146.2, NM_002316.4); short protein forms R223P.
Identifiers: ClinVar variation 3036205 (VCV003036205.2), dbSNP rs121909491, ClinGen allele CA374913461.

ClinVar aggregate classification (germline): Likely pathogenic (0 of 4 stars; one submission).

Conditions:
LMX1B-related disorder. Also called: LMX1B-related condition.

Submission:

PreventionGenetics, part of Exact Sciences
Classification: Likely pathogenic for LMX1B-related condition. Last evaluated: 2023-11-15. Review status: no assertion criteria provided. Collection method: clinical testing. Allele origin: germline.
Comment: The LMX1B c.668G>C variant is predicted to result in the amino acid substitution p.Arg223Pro. This variant was reported to occur de novo in an individual with nail-patella syndrome (Gardin et al 2020. PubMed ID: 32954044). Other variants that alter this same amino acid (p.Arg223Gln, p.Arg223Trp, p.Arg223Gly) have been reported to be pathogenic (Human Gene Mutation Database). This variant has not been reported in a large population database, indicating this variant is rare. This variant is interpreted as likely pathogenic.